The following is an entry in ClinVar:

ClinVar aggregate classification (germline): Uncertain significance. Review status: criteria provided, multiple submitters, no conflicts (2 of 4 stars). 2 submissions from 2 submitters: Uncertain significance (2). Last evaluated 2023-08-23.

Conditions:
Microcephaly, normal intelligence and immunodeficiency (NBS). Also called: BERLIN BREAKAGE SYNDROME; Immunodeficiency, microcephaly with normal intelligence; Nijmegen breakage syndrome; Microcephaly with normal intelligence immunodeficiency and lymphoreticular malignancies; Nonsyndromal microcephaly autosomal recessive with normal intelligence; Seemanova syndrome 2. Identifiers: Orphanet 647, MedGen C0398791, MONDO:0009623, OMIM 251260.
Hereditary cancer-predisposing syndrome. Also called: Neoplastic Syndromes, Hereditary; Hereditary Cancer Syndrome; Tumor predisposition; Hereditary neoplastic syndrome. Identifiers: Orphanet 140162, MedGen C0027672, MeSH D009386, MONDO:0015356.

Submissions (2):

Ambry Genetics
Classification: Uncertain significance for Hereditary cancer-predisposing syndrome. Last evaluated: 2023-08-23. Review status: criteria provided, single submitter. Criteria: Ambry Variant Classification Scheme 2023. Collection method: clinical testing. Allele origin: germline.
Comment: The p.V663L variant (also known as c.1987G>T), located in coding exon 13 of the NBN gene, results from a G to T substitution at nucleotide position 1987. The valine at codon 663 is replaced by leucine, an amino acid with highly similar properties. This amino acid position is highly conserved in available vertebrate species. In addition, the in silico prediction for this alteration is inconclusive. Since supporting evidence is limited at this time, the clinical significance of this alteration remains unclear.

Labcorp Genetics (formerly Invitae), Labcorp
Classification: Uncertain significance for Microcephaly, normal intelligence and immunodeficiency. Last evaluated: 2021-06-30. Review status: criteria provided, single submitter. Criteria: Invitae Variant Classification Sherloc (09022015). Collection method: clinical testing. Allele origin: germline.
Comment: This variant has not been reported in the literature in individuals affected with NBN-related conditions. This sequence change replaces valine with leucine at codon 663 of the NBN protein (p.Val663Leu). The valine residue is moderately conserved and there is a small physicochemical difference between valine and leucine. This variant is not present in population databases (ExAC no frequency). Algorithms developed to predict the effect of missense changes on protein structure and function are either unavailable or do not agree on the potential impact of this missense change (SIFT: "Tolerated"; PolyPhen-2: "Probably Damaging"; Align-GVGD: "Class C0"). In summary, the available evidence is currently insufficient to determine the role of this variant in disease. Therefore, it has been classified as a Variant of Uncertain Significance.

NM_002485.5(NBN):c.1987G>T (p.Val663Leu)

Gene: NBN (nibrin; minus strand). Cytogenetic location: 8q21.3.
Variant type: single nucleotide variant.
Coding change: c.1987G>T on transcript NM_002485.5 (MANE Select); coding-DNA position 1987, G replaced by T.
Protein change: p.Val663Leu; replaces valine 663 with leucine.
Molecular consequence: missense variant.
Genome position (GRCh38, 1-based): chr8:89,946,223, C>A on the plus strand (G>T on the coding strand, the complement: NBN is on the minus strand). VCF-style: chr8-89946223-C-A. GRCh37 (hg19) VCF-style: chr8-90958451-C-A.
Other names: c.1741G>T, p.Val581Leu (NM_001024688.3); short protein forms V581L, V663L.
Identifiers: ClinVar variation 1468565 (VCV001468565.10), dbSNP rs1554556547, ClinGen allele CA371676494.